The following is an entry in ClinVar:

ClinVar aggregate classification (germline): Pathogenic (1 of 4 stars; one submission).

Submission:

Labcorp Genetics (formerly Invitae), Labcorp
Classification: Pathogenic. Last evaluated: 2024-12-10. Review status: criteria provided, single submitter. Criteria: Invitae Variant Classification Sherloc (09022015). Collection method: clinical testing. Allele origin: germline.
Comment: This sequence change creates a premature translational stop signal (p.Glu1932Serfs*3) in the CHD8 gene. It is expected to result in an absent or disrupted protein product. Loss-of-function variants in CHD8 are known to be pathogenic (PMID: 24998929, 26789910). This variant is not present in population databases (gnomAD no frequency). This premature translational stop signal has been observed in individual(s) with CHD8-related conditions (PMID: 24998929). For these reasons, this variant has been classified as Pathogenic.

Literature cited by the submitters: PubMed 24998929; PubMed 26789910.

NM_001170629.2(CHD8):c.5794del (p.Glu1932fs)

Gene: CHD8 (chromodomain helicase DNA binding protein 8; minus strand). Cytogenetic location: 14q11.2.
Variant type: Deletion.
Coding change: c.5794del on transcript NM_001170629.2 (MANE Select); coding-DNA position 5794, one base deleted (G; older notation c.5794delG).
Protein change: p.Glu1932fs; shifts the reading frame from glutamic acid 1932.
Molecular consequence: frameshift variant.
Genome position (GRCh38, 1-based): chr14:21,394,001, C deleted on the plus strand (G on the coding strand, the reverse complement: CHD8 is on the minus strand); the first of 4 consecutive C bases (chr14:21,394,001-21,394,004); deleting any one gives the same sequence. VCF-style (leftmost placement, unchanged base first): chr14-21394000-TC-T. GRCh37 (hg19) VCF-style: chr14-21862159-TC-T.
Other names: c.4957del, p.Glu1653fs (NM_020920.4); short protein forms E1653fs, E1932fs.
Identifiers: ClinVar variation 3721427 (VCV003721427.2).
Genomic context (GRCh38, chr14:21,394,000, plus strand): 5'-TCCTGCATGATGTTGCAGTCTGTTTGGCTCACCCCATGGCGGGCTGCCCCTCTTAGAAGC[TC>T]CCCATCATGCCGAACAGGCTCCCACCATTTGGGCAATTCAGGACCAGGAGGCTGACACAA-3'